The following is an entry in ClinVar:

NM_001369.3(DNAH5):c.5147G>C (p.Arg1716Pro)

Gene: DNAH5 (dynein axonemal heavy chain 5; minus strand). Cytogenetic location: 5p15.2.
Variant type: single nucleotide variant.
Coding change: c.5147G>C on transcript NM_001369.3 (MANE Select); coding-DNA position 5147, G replaced by C.
Protein change: p.Arg1716Pro; replaces arginine 1716 with proline.
Molecular consequence: missense variant.
Genome position (GRCh38, 1-based): chr5:13,844,961, C>G on the plus strand (G>C on the coding strand, the complement: DNAH5 is on the minus strand). VCF-style: chr5-13844961-C-G. GRCh37 (hg19) VCF-style: chr5-13845070-C-G.
Other names: short protein forms R1716P.
Identifiers: ClinVar variation 934373 (VCV000934373.12), dbSNP rs74799487, ClinGen allele CA359214371.
Genomic context (GRCh38, chr5:13,844,961, plus strand): 5'-TGGGAGTCCGACGCCTGCCCCAGAATCTCTAGAAGGGCAGGATCTGAGACGAAGAAAAAC[C>G]GAGGAAAGCACAGTCGTTTTTTCTCCAAGTACCTACAAGGAGAGGAAAAACATAAACCTT-3'
Protein context (NP_001360.1, residues 1706-1726): YLEKKRLCFP[Arg1716Pro]FFFVSDPALL

ClinVar aggregate classification (germline): Pathogenic/Likely pathogenic. Review status: criteria provided, multiple submitters, no conflicts (2 of 4 stars). 3 submissions from 3 submitters: Pathogenic (1); Likely pathogenic (1). 1 of the submissions does not count toward it. Last evaluated 2026-05-22.

Conditions:
Primary ciliary dyskinesia. Also called: Ciliary dyskinesia. Identifiers: Orphanet 244, MedGen C0008780, MONDO:0016575, HP:0012265.
Primary ciliary dyskinesia 3. Identifiers: Orphanet 244, MedGen C1837618, MONDO:0012085, OMIM 608644.

Submissions (3):

Women's Health and Genetics/Laboratory Corporation of America, LabCorp
Classification: Likely pathogenic for Primary ciliary dyskinesia 3. Last evaluated: 2026-05-22. Review status: criteria provided, single submitter. Criteria: LabCorp Variant Classification Summary - May 2015. Collection method: clinical testing. Allele origin: germline.
Comment: Variant summary: DNAH5 c.5147G>C (p.Arg1716Pro) results in a non-conservative amino acid change in the encoded protein sequence. Algorithms developed to predict the effect of missense changes on protein structure and function all suggest that this variant is likely to be disruptive. The variant was absent in 251388 control chromosomes. c.5147G>C has been observed in individual affected with DNAH5-related primary ciliary dykinesia (Davis_2018, internal data). These data indicate that the variant may be associated with disease. A different missense change affecting the same codon (c.5146C>T, p.Arg1716Trp) has been classified as pathogenic by our lab, providing evidence for the clinical importance of this residue in protein function. To our knowledge, no experimental evidence demonstrating an impact on protein function has been reported. The following publications have been ascertained in the context of this evaluation (PMID: 30067075). ClinVar contains an entry for this variant (Variation ID: 934373). Based on the evidence outlined above, the variant was classified as likely pathogenic.

Labcorp Genetics (formerly Invitae), Labcorp
Classification: Pathogenic for Primary ciliary dyskinesia. Last evaluated: 2020-04-23. Review status: criteria provided, single submitter. Criteria: Invitae Variant Classification Sherloc (09022015). Collection method: clinical testing. Allele origin: germline.
Comment: For these reasons, this variant has been classified as Pathogenic. This variant disrupts the p.Arg1716 amino acid residue in DNAH5. Other variant(s) that disrupt this residue have been determined to be pathogenic (PMID: 16627867, 30067075). This suggests that this residue is clinically significant, and that variants that disrupt this residue are likely to be disease-causing. Algorithms developed to predict the effect of missense changes on protein structure and function are either unavailable or do not agree on the potential impact of this missense change (SIFT: "Deleterious"; PolyPhen-2: "Benign"; Align-GVGD: "Class C0"). This variant has been observed in individual(s) with clinical features of primary ciliary dyskinesia (PMID: 30067075, Invitae). In at least one individual the data is consistent with the variant being in trans (on the opposite chromosome) from a pathogenic variant. This variant is not present in population databases (ExAC no frequency). This sequence change replaces arginine with proline at codon 1716 of the DNAH5 protein (p.Arg1716Pro). The arginine residue is highly conserved and there is a moderate physicochemical difference between arginine and proline.

Yale Center for Mendelian Genomics, Yale University
Classification: Likely pathogenic for Primary ciliary dyskinesia. Last evaluated: 2018-08-01. Review status: no assertion criteria provided. Collection method: literature only. Allele origin: germline. Affected: yes. Observed: 1 compound heterozygote. Study: Yale Center for Mendelian Genomics. Not counted in ClinVar's aggregate classification.

Literature cited by the submitters: PubMed 30067075 (cited by 3 submitters); PubMed 16627867 (cited by Labcorp Genetics (formerly Invitae), Labcorp).